The following is an entry in ClinVar:

NM_000059.4(BRCA2):c.1079C>T (p.Pro360Leu)

Gene: BRCA2 (BRCA2 DNA repair associated; plus strand). Cytogenetic location: 13q13.1.
Variant type: single nucleotide variant.
Coding change: c.1079C>T on transcript NM_000059.4 (MANE Select); coding-DNA position 1079, C replaced by T.
Protein change: p.Pro360Leu; replaces proline 360 with leucine.
Molecular consequence: missense variant. On other transcripts: non-coding transcript variant (1), intron variant (1).
Genome position (GRCh38, 1-based): chr13:32,332,557, C>T. VCF-style: chr13-32332557-C-T. GRCh37 (hg19) VCF-style: chr13-32906694-C-T.
Other names: c.1079C>T, p.Pro360Leu (NM_001406719.1, NM_001406720.1, NM_001406721.1 and 1 more transcripts); c.424+1527C>T (NM_001406722.1); short protein forms P360L.
Identifiers: ClinVar variation 4215861 (VCV004215861.1).
Genomic context (GRCh38, chr13:32,332,557, plus strand): 5'-AATGTGAAAAATCTAAAAACCAAGTGAAAGAAAAATACTCATTTGTATCTGAAGTGGAAC[C>T]AAATGATACTGATCCATTAGATTCAAATGTAGCAAATCAGAAGCCCTTTGAGAGTGGAAG-3'
Protein context (NP_000050.3, residues 350-370): EKYSFVSEVE[Pro360Leu]NDTDPLDSNV

ClinVar aggregate classification (germline): Uncertain significance (1 of 4 stars; one submission).

Conditions:
Hereditary cancer-predisposing syndrome. Also called: Hereditary Cancer Syndrome; Hereditary neoplastic syndrome; Neoplastic Syndromes, Hereditary; Tumor predisposition. Identifiers: Orphanet 140162, MedGen C0027672, MeSH D009386, MONDO:0015356.

Submission:

Ambry Genetics
Classification: Uncertain significance for Hereditary cancer-predisposing syndrome. Last evaluated: 2025-07-11. Review status: criteria provided, single submitter. Criteria: Ambry Variant Classification Scheme 2023. Collection method: clinical testing. Allele origin: germline.
Comment: The p.P360L variant (also known as c.1079C>T), located in coding exon 9 of the BRCA2 gene, results from a C to T substitution at nucleotide position 1079. The proline at codon 360 is replaced by leucine, an amino acid with similar properties. This amino acid position is conserved. In addition, this alteration is predicted to be tolerated by in silico analysis. Based on the available evidence, the clinical significance of this variant remains unclear.